The following is an entry in ClinVar:

ClinVar aggregate classification (germline): Benign. Review status: criteria provided, multiple submitters, no conflicts (2 of 4 stars). 3 submissions from 3 submitters: Benign (2). 1 of the submissions does not count toward it. Last evaluated 2026-02-03.

Conditions:
FBN3-related disorder. Also called: FBN3-related condition.

Allele frequency attached by ClinVar (database versions not stated): ESP Exome Variant Server 0.02991; gnomAD 0.04932 and 0.04627; TOPMed 0.05502; ExAC 0.06475; gnomAD exomes 0.07222; 1000 Genomes Project 30x 0.08432; 1000 Genomes Project 0.08347.
gnomAD v4.1: 76,285 of 1,614,010 alleles (4.7%); highest among the groups gnomAD compares: East Asian, 21%; 3,315 homozygotes.

Submissions (3):

Labcorp Genetics (formerly Invitae), Labcorp
Classification: Benign. Last evaluated: 2026-02-03. Review status: criteria provided, single submitter. Criteria: Invitae Variant Classification Sherloc (09022015). Collection method: clinical testing. Allele origin: germline.

Breakthrough Genomics
Classification: Benign. Review status: criteria provided, single submitter. Criteria: ACMG Guidelines, 2015. Collection method: not provided. Allele origin: germline. Inheritance: Unknown mechanism. Affected: yes.

PreventionGenetics, part of Exact Sciences
Classification: Benign for FBN3-related condition. Last evaluated: 2019-02-21. Review status: no assertion criteria provided. Collection method: clinical testing. Allele origin: germline. Not counted in ClinVar's aggregate classification.
Comment: This variant is classified as benign based on ACMG/AMP sequence variant interpretation guidelines (Richards et al. 2015 PMID: 25741868, with internal and published modifications).

NM_032447.5(FBN3):c.2812G>A (p.Val938Ile)

Gene: FBN3 (fibrillin 3; minus strand). Cytogenetic location: 19p13.2.
Variant type: single nucleotide variant.
Coding change: c.2812G>A on transcript NM_032447.5 (MANE Select); coding-DNA position 2812, G replaced by A.
Protein change: p.Val938Ile; replaces valine 938 with isoleucine.
Molecular consequence: missense variant.
Genome position (GRCh38, 1-based): chr19:8,123,928, C>T on the plus strand (G>A on the coding strand, the complement: FBN3 is on the minus strand). VCF-style: chr19-8123928-C-T. GRCh37 (hg19) VCF-style: chr19-8188812-C-T.
Other names: c.2812G>A, p.Val938Ile (NM_001321431.2); c.2812G>A (NM_001321431.1); short protein forms V938I.
Identifiers: ClinVar variation 1631056 (VCV001631056.11), dbSNP rs35840170, ClinGen allele CA9152701.